The following is an entry in ClinVar:

NM_001458.5(FLNC):c.7990+15del

Genes: FLNC (filamin C; plus strand), FLNC-AS1 (FLNC antisense RNA 1; minus strand). Cytogenetic location: 7q32.1.
Variant type: Deletion.
Coding change: c.7990+15del on transcript NM_001458.5 (MANE Select); 15 bases into the intron after coding-DNA position 7990, one base deleted (G; older notation c.7990+15delG).
Molecular consequence: intron variant.
Genome position (GRCh38, 1-based): chr7:128,858,232, G deleted; the last of 6 consecutive G bases (chr7:128,858,227-128,858,232); deleting any one gives the same sequence. VCF-style (leftmost placement, unchanged base first): chr7-128858226-CG-C. GRCh37 (hg19) VCF-style: chr7-128498280-CG-C.
Other names: c.7990+15delG (NM_001458.5); c.7891+15del (NM_001127487.2); c.7990+15del (NM_001458.4).
Identifiers: ClinVar variation 1622732 (VCV001622732.11), dbSNP rs755806046, ClinGen allele CA4476392.

ClinVar aggregate classification (germline): Likely benign. Review status: criteria provided, multiple submitters, no conflicts (2 of 4 stars). 3 submissions from 3 submitters: Likely benign (3). Last evaluated 2026-01-25.

Conditions:
Hypertrophic cardiomyopathy 26. Also called: Cardiomyopathy, familial hypertrophic, 26. Identifiers: Orphanet 75249, MedGen C4310749, MONDO:0014883, OMIM 617047.
Distal myopathy with posterior leg and anterior hand involvement. Also called: WILLIAMS DISTAL MYOPATHY. Identifiers: Orphanet 63273, MedGen C3279722, MONDO:0013550, OMIM 614065.
Myofibrillar myopathy 5. Also called: Filaminopathy (type); FILAMINOPATHY, AUTOSOMAL DOMINANT. Identifiers: Orphanet 171445, MedGen C1836050, MONDO:0012289, OMIM 609524.

Submissions (3):

Labcorp Genetics (formerly Invitae), Labcorp
Classification: Likely benign for Distal myopathy with posterior leg and anterior hand involvement; Myofibrillar myopathy 5; Hypertrophic cardiomyopathy 26. Last evaluated: 2026-01-25. Review status: criteria provided, single submitter. Criteria: Invitae Variant Classification Sherloc (09022015). Collection method: clinical testing. Allele origin: germline.

Molecular Diagnostic Laboratory for Inherited Cardiovascular Disease, Montreal Heart Institute
Classification: Likely benign. Last evaluated: 2025-04-09. Review status: criteria provided, single submitter. Criteria: ACMG Guidelines, 2015. Collection method: clinical testing. Allele origin: germline. Affected: no.

Women's Health and Genetics/Laboratory Corporation of America, LabCorp
Classification: Likely benign. Last evaluated: 2024-02-05. Review status: criteria provided, single submitter. Criteria: LabCorp Variant Classification Summary - May 2015. Collection method: clinical testing. Allele origin: germline.
Comment: Variant summary: FLNC c.7990+15delG alters a nucleotide located at a position not widely known to affect splicing. Consensus agreement among computation tools predict no significant impact on normal splicing. However, these predictions have yet to be confirmed by functional studies. The variant allele was found at a frequency of 4.5e-05 in 201886 control chromosomes (gnomAD). The available data on variant occurrences in the general population are insufficient to allow any conclusion about variant significance. To our knowledge, no occurrence of c.7990+15delG in individuals affected with Dilated Cardiomyopathy and no experimental evidence demonstrating its impact on protein function have been reported. ClinVar contains an entry for this variant (Variation ID: 1622732). Based on the evidence outlined above, the variant was classified as likely benign.